The following is an entry in ClinVar:

ClinVar aggregate classification (germline): Likely benign (1 of 4 stars; one submission).

Allele frequency attached by ClinVar (database versions not stated): gnomAD 0.02558 and 0.02665; TOPMed 0.02733; 1000 Genomes Project 30x 0.03264; 1000 Genomes Project 0.03355.
gnomAD v4.1: 4,055 of 152,150 alleles (2.7%); highest among the groups gnomAD compares: South Asian, 3.7%; 69 homozygotes.

Submission:

GeneDx
Classification: Likely benign. Last evaluated: 2018-06-14. Review status: criteria provided, single submitter. Criteria: GeneDx Variant Classification (06012015). Collection method: clinical testing. Allele origin: germline. Affected: yes.
Comment: This variant is considered likely benign or benign based on one or more of the following criteria: it is a conservative change, it occurs at a poorly conserved position in the protein, it is predicted to be benign by multiple in silico algorithms, and/or has population frequency not consistent with disease.

NM_012414.4(RAB3GAP2):c.3155-194C>G

Gene: RAB3GAP2 (RAB3 GTPase activating non-catalytic protein subunit 2; minus strand). Cytogenetic location: 1q41.
Variant type: single nucleotide variant.
Coding change: c.3155-194C>G on transcript NM_012414.4 (MANE Select); 194 bases into the intron before coding-DNA position 3155, C replaced by G.
Molecular consequence: intron variant.
Genome position (GRCh38, 1-based): chr1:220,162,462, G>C on the plus strand (C>G on the coding strand, the complement: RAB3GAP2 is on the minus strand). VCF-style: chr1-220162462-G-C. GRCh37 (hg19) VCF-style: chr1-220335804-G-C.
Identifiers: ClinVar variation 675684 (VCV000675684.1), dbSNP rs141613840, ClinGen allele CA37545915.